The following is an entry in ClinVar:

ClinVar aggregate classification (germline): Uncertain significance (1 of 4 stars; one submission).

Conditions:
RASopathy. Also called: Noonan spectrum disorder; rasopathies. Identifiers: Orphanet 536391, MedGen C5555857, MONDO:0021060.

Submission:

Labcorp Genetics (formerly Invitae), Labcorp
Classification: Uncertain significance for RASopathy. Last evaluated: 2022-08-24. Review status: criteria provided, single submitter. Criteria: Invitae Variant Classification Sherloc (09022015). Collection method: clinical testing. Allele origin: germline.
Comment: This sequence change replaces tyrosine, which is neutral and polar, with cysteine, which is neutral and slightly polar, at codon 552 of the CBL protein (p.Tyr552Cys). In summary, the available evidence is currently insufficient to determine the role of this variant in disease. Therefore, it has been classified as a Variant of Uncertain Significance. Advanced modeling of protein sequence and biophysical properties (such as structural, functional, and spatial information, amino acid conservation, physicochemical variation, residue mobility, and thermodynamic stability) performed at Invitae indicates that this missense variant is not expected to disrupt CBL protein function. This variant has not been reported in the literature in individuals affected with CBL-related conditions. This variant is not present in population databases (gnomAD no frequency).

NM_005188.4(CBL):c.1655A>G (p.Tyr552Cys)

Gene: CBL (Cbl proto-oncogene; plus strand). Cytogenetic location: 11q23.3.
Variant type: single nucleotide variant.
Coding change: c.1655A>G on transcript NM_005188.4 (MANE Select); coding-DNA position 1655, A replaced by G.
Protein change: p.Tyr552Cys; replaces tyrosine 552 with cysteine.
Molecular consequence: missense variant.
Genome position (GRCh38, 1-based): chr11:119,285,280, A>G. VCF-style: chr11-119285280-A-G. GRCh37 (hg19) VCF-style: chr11-119155990-A-G.
Other names: short protein forms Y552C.
Identifiers: ClinVar variation 1978923 (VCV001978923.4), dbSNP rs2496952488, ClinGen allele CA382919502.